The following continues an entry in ClinVar:

NM_000492.4(CFTR):c.3909C>G (p.Asn1303Lys)

Gene: CFTR. ClinVar aggregate classification (germline): Pathogenic. Pathogenic (1).

Submissions 10 to 26 of 53:

ARUP Laboratories, Molecular Genetics and Genomics, ARUP Laboratories
Classification: Pathogenic for Cystic fibrosis. Last evaluated: 2025-03-20. Review status: criteria provided, single submitter. Criteria: ARUP Molecular Germline Variant Investigation Process 2024. Collection method: clinical testing. Allele origin: germline. Not counted in ClinVar's aggregate classification.
Comment: The CFTR c.3909C>G; p.Asn1303Lys variant (rs80034486), is reported in the literature in multiple individuals diagnosed with cystic fibrosis, often associated with pancreatic insufficiency (Osborne 1991, Osborne 1992, Ooi 2012, Sosnay 2013, CFTR2 database). This variant is reported in ClinVar (Variation ID: 7136), and is found in the general population with an overall allele frequency of 0.014% (39/280898 alleles) in the Genome Aggregation Database (v2.1.1). Computational analyses predict that this variant is deleterious (REVEL: 0.83). Functional characterization of the variant protein indicates a defect in CFTR processing, resulting in a severe reduction in chloride transport activity (Sosnay 2013, Van Goor 2014). Based on available information, this variant is considered to be pathogenic. References: CFTR2 database: Ooi C. et al. Cystic fibrosis transmembrane conductance regulator (CFTR) gene mutations in pancreatitis. J Cyst Fibros. 2012 11(5):355-62. PMID: 22658665 Osborne L et al. A mutation in the second nucleotide binding fold of the cystic fibrosis gene. Am J Hum Genet. 1991 48(3):608-12. PMID: 1998343 Osborne L et al. Incidence and expression of the N1303K mutation of the cystic fibrosis (CFTR) gene. Hum Genet. 1992 89(6):653-8. PMID: 1380943 Sosnay PR et al. Defining the disease liability of variants in the cystic fibrosis transmembrane conductance regulator gene. Nat Genet. 2013 45(10):1160-7. PMID: 23974870 Van Goor F et al. Effect of ivacaftor on CFTR forms with missense mutations associated with defects in protein processing or function. J Cyst Fibros. 2014 13(1):29-36. PMID: 23891399

Ambry Genetics
Classification: Pathogenic for Cystic fibrosis. Last evaluated: 2025-03-11. Review status: criteria provided, single submitter. Criteria: Ambry Variant Classification Scheme 2023. Collection method: clinical testing. Allele origin: germline. Not counted in ClinVar's aggregate classification.
Comment: The p.N1303K pathogenic mutation (also known as c.3909C>G), located in coding exon 24 of the CFTR gene, results from a C to G substitution at nucleotide position 3909. The asparagine at codon 1303 is replaced by lysine, an amino acid with similar properties. In one study, this mutation was identified in 216 cystic fibrosis alleles, including 10 homozygous individuals with elevated sweat chloride levels and decreased lung function. Of the 6 homozygous individuals with reported pancreatic status, all were pancreatic insufficient (Osborne L et al. Hum. Genet., 1992 Aug;89:653-8). In vitro functional studies determined that this mutation prevents the maturation, trafficking, and subsequent activity of the CFTR protein (Gregory RJ et al. Mol. Cell. Biol., 1991 Aug;11:3886-93). This pathogenic mutation is associated with elevated sweat chloride levels, decreased lung function, and pancreatic insufficiency; in vitro functional studies showed this mutation results in significantly reduced chloride conductance (Sosnay PR et al. Nat. Genet., 2013 Oct;45:1160-7). Based on the supporting evidence, this alteration is interpreted as a disease-causing mutation.

Revvity Omics, Revvity
Classification: Pathogenic. Last evaluated: 2025-02-03. Review status: criteria provided, single submitter. Criteria: ACMG Guidelines, 2015. Collection method: clinical testing. Allele origin: germline. Not counted in ClinVar's aggregate classification.

Genetic Services Laboratory, University of Chicago
Classification: Pathogenic. Last evaluated: 2024-10-28. Review status: criteria provided, single submitter. Criteria: ACMG Guidelines, 2015. Collection method: clinical testing. Allele origin: germline. Affected: yes. Not counted in ClinVar's aggregate classification.
Comment: DNA sequence analysis of the CFTR gene demonstrated a sequence change, c.3909C>G, in exon 24 that results in an amino acid change, p.Asn1303Lys. The p.Asn1303Lys change affects a highly conserved amino acid residue located in a domain of the CFTR protein that is known to be functional. The p.Asn1303Lys substitution appears to be deleterious using several in-silico pathogenicity prediction tools (SIFT, PolyPhen2, Align GVGD, REVEL). This pathogenic sequence change has previously been described in several individuals with CFTR-related disorders including cystic fibrosis, congenital bilateral absence of the vas deferens, and chronic pancreatitis (PMID: 23951356, 23974870, 21520337, 9014613). Functional studies have shown that this sequence change has an impact on CFTR protein maturation and abolishes ion channel function (PMID: 23974870, 23891399, 25799511). It is one of the most commonly reported pathogenic variant (PMID: 11232455, 1380943, 12767731, 15371902, 22658665). This sequence change has been described in the gnomAD database with a frequency of 0.018% in the European subpopulation (dbSNP rs80034486). These collective evidences indicate that this sequence change is pathogenic.

Dubai Health Genomic Medicine Center, Dubai Health
Classification: Pathogenic for Cystic fibrosis. Last evaluated: 2024-10-04. Review status: criteria provided, single submitter. Criteria: ACMG Guidelines, 2015. Collection method: research. Allele origin: germline. Affected: yes. Not counted in ClinVar's aggregate classification.
Comment: PS3,PM3(strong),PP3,PM2,PM5

Mayo Clinic Laboratories, Mayo Clinic
Classification: Pathogenic. Last evaluated: 2024-08-19. Review status: criteria provided, single submitter. Criteria: ACMG Guidelines, 2015. Collection method: clinical testing. Allele origin: germline. Not counted in ClinVar's aggregate classification.

Blueprint Genetics
Classification: Pathogenic for CFTR-related disorders. Last evaluated: 2024-07-30. Review status: criteria provided, single submitter. Criteria: ACMG Guidelines, 2015. Collection method: clinical testing. Allele origin: germline. Affected: yes. Observed: 5 variant alleles. Not counted in ClinVar's aggregate classification.

Fulgent Genetics
Classification: Pathogenic for Hereditary pancreatitis; Bronchiectasis with or without elevated sweat chloride 1; Cystic fibrosis; Congenital bilateral aplasia of vas deferens from CFTR mutation. Last evaluated: 2024-05-06. Review status: criteria provided, single submitter. Criteria: ACMG Guidelines, 2015. Collection method: clinical testing. Allele origin: germline. Not counted in ClinVar's aggregate classification.

Baylor Genetics
Classification: Pathogenic for Bronchiectasis with or without elevated sweat chloride 1. Last evaluated: 2024-03-29. Review status: criteria provided, single submitter. Criteria: ACMG Guidelines, 2015. Collection method: clinical testing. Allele origin: unknown. Not counted in ClinVar's aggregate classification.

Department of Human Genetics, Hannover Medical School
Classification: Pathogenic for Cystic fibrosis. Last evaluated: 2023-04-06. Review status: criteria provided, single submitter. Criteria: ACMG Guidelines, 2015. Collection method: clinical testing. Allele origin: germline. Inheritance: Autosomal recessive inheritance. Affected: yes. Not counted in ClinVar's aggregate classification.

Quest Diagnostics Nichols Institute San Juan Capistrano
Classification: Pathogenic. Last evaluated: 2023-02-22. Review status: criteria provided, single submitter. Criteria: Quest Diagnostics criteria. Collection method: clinical testing. Allele origin: unknown. Not counted in ClinVar's aggregate classification.
Comment: The frequency of this variant in the general population, 0.00018 (23/128054 chromosomes), is uninformative in assessment of its pathogenicity. In the published literature, the variant has been reported in the homozygous state and with other CF variants in trans to be particularly associated with a pancreatic insufficient phenotype, however, variable lung function phenotypes from unusually mild to severe have been observed (PMID: 1380943 (1992), 23974870 (2013), and 26208274 (2015)). Functional analysis has described this variant as Class II causing defective protein processing, protein degradation, insignificant levels of mature CFTR, and conductance (PMID: 1712898 (1991), 23891399 (2014), 25799511 (2015), 26823392 (2016)). Analysis of this variant using bioinformatics tools for the prediction of the effect of amino acid changes on protein structure and function yielded predictions that this variant is damaging. Based on the available information, this variant is classified as pathogenic.

Institute for Clinical Genetics, University Hospital TU Dresden, University Hospital TU Dresden
Classification: Pathogenic. Last evaluated: 2022-11-03. Review status: criteria provided, single submitter. Criteria: ACMG Guidelines, 2015. Collection method: clinical testing. Allele origin: germline. Not counted in ClinVar's aggregate classification.

Human Genetics Bochum, Ruhr University Bochum
Classification: Pathogenic for Cystic fibrosis. Last evaluated: 2022-09-23. Review status: criteria provided, single submitter. Criteria: ACMG Guidelines, 2015. Collection method: clinical testing. Allele origin: germline. Affected: yes. Not counted in ClinVar's aggregate classification.
Comment: ACMG criteria used to clasify this variant: PS3, PS4, PP3, PP1

Clinical Genetics Laboratory, Skane University Hospital Lund
Classification: Pathogenic. Last evaluated: 2022-05-27. Review status: criteria provided, single submitter. Criteria: ACMG Guidelines, 2015. Collection method: clinical testing. Allele origin: germline. Affected: yes. Not counted in ClinVar's aggregate classification.

MGZ Medical Genetics Center
Classification: Pathogenic for Cystic fibrosis. Last evaluated: 2022-04-27. Review status: criteria provided, single submitter. Criteria: ACMG Guidelines, 2015. Collection method: clinical testing. Allele origin: germline. Affected: yes. Observed: 1 variant allele. Not counted in ClinVar's aggregate classification.
Comment: ACMG criteria applied: PM3_VSTR, PS4, PS3_SUP, PM2_SUP, PP3

Sema4
Classification: Pathogenic for Hereditary pancreatitis. Last evaluated: 2021-05-25. Review status: criteria provided, single submitter. Criteria: Sema4 Curation Guidelines. Collection method: curation. Allele origin: germline. Not counted in ClinVar's aggregate classification.
Comment: The CFTR c.3909C>G (p.N1303K) variant has been reported as a common pathogenic variant in individuals with cystic fibrosis in the CFTR2 databases and in the literature (PMID:1380943). It has also been reported in individuals with pancreatic cancer or pancreatitis (PMID:19885835, 22020151, 22658665). Functional studies showed that It caused loss of baseline chloride transport (PMID:23891399). It was observed in 6/10308 chromosomes in the Ashkenazi Jewish population according to the Genome Aggregation Database (PMID: 32461654) and has been reported in ClinVar (Variation ID: 7136). Based on the current evidence available, this variant is interpreted as pathogenic.

CeGaT Center for Human Genetics Tuebingen
Classification: Pathogenic. Last evaluated: 2019-10-01. Review status: criteria provided, single submitter. Criteria: CeGaT Center For Human Genetics Tuebingen Variant Classification Criteria Version 2. Collection method: clinical testing. Allele origin: germline. Affected: yes. Observed: 1 variant allele. Not counted in ClinVar's aggregate classification.